The following is an entry in ClinVar:

NC_000023.11:g.71111644G>T

Genes: IL2RG (interleukin 2 receptor subunit gamma; minus strand), LOC126863274 (MED14-independent group 3 enhancer GRCh37_chrX:70330888-70332087; plus strand). Cytogenetic location: Xq13.1.
Variant type: single nucleotide variant.
Genome position: GRCh38 VCF-style: chrX-71111644-G-T. GRCh37 (hg19) VCF-style: chrX-70331494-G-T.
Other names: c.-105C>A (NM_000206.3).
Identifiers: ClinVar variation 1950459 (VCV001950459.5), dbSNP rs1396169268, ClinGen allele CA877809971.

ClinVar aggregate classification (germline): Uncertain significance. Review status: criteria provided, multiple submitters, no conflicts (2 of 4 stars). 3 submissions from 3 submitters: Uncertain significance (3). Last evaluated 2025-11-11.

Conditions:
X-linked severe combined immunodeficiency (SCIDX1). Also called: X-Linked Combined Immunodeficiency Diseases; IMMUNODEFICIENCY 4; T-B+ severe combined immunodeficiency due to gamma chain deficiency; SCID, X-LINKED; SEVERE COMBINED IMMUNODEFICIENCY, X-LINKED, T CELL-NEGATIVE, B CELL-POSITIVE, NK CELL-NEGATIVE. Identifiers: Orphanet 276, MedGen C6022468, MONDO:0010315, OMIM 300400. Disease mechanism: loss of function.

Allele frequency attached by ClinVar (database versions not stated): gnomAD exomes 0.00001.

Submissions (3):

Women's Health and Genetics/Laboratory Corporation of America, LabCorp
Classification: Uncertain significance. Last evaluated: 2025-11-11. Review status: criteria provided, single submitter. Criteria: LabCorp Variant Classification Summary - May 2015. Collection method: clinical testing. Allele origin: germline.
Comment: Variant summary: IL2RG c.-105C>A is located in the untranscribed region upstream of the IL2RG gene region. The frequency of this variant in the general population could not be determined as the technology used for large population databases (ExAC, gnomAD, ESP, 1000G) cannot detect variants of this type as metrics indicate insufficient coverage at this position. The available data on variant occurrences in the general population are insufficient to allow any conclusion about variant significance. To our knowledge, no occurrence of c.-105C>A in individuals affected with IL2RG-related conditions and no experimental evidence demonstrating its impact on protein function have been reported. ClinVar contains an entry for this variant (Variation ID: 1950459). Based on the evidence outlined above, the variant was classified as uncertain significance.

Blueprint Genetics
Classification: Uncertain significance. Last evaluated: 2024-11-15. Review status: criteria provided, single submitter. Criteria: ACMG Guidelines, 2015. Collection method: clinical testing. Allele origin: germline.

Labcorp Genetics (formerly Invitae), Labcorp
Classification: Uncertain significance for X-linked severe combined immunodeficiency. Last evaluated: 2022-04-25. Review status: criteria provided, single submitter. Criteria: Invitae Variant Classification Sherloc (09022015). Collection method: clinical testing. Allele origin: germline.
Comment: This variant occurs in a non-coding region of the IL2RG gene. It does not change the encoded amino acid sequence of the IL2RG protein. The frequency data for this variant in the population databases is considered unreliable, as metrics indicate insufficient coverage at this position in the gnomAD database. This variant has not been reported in the literature in individuals affected with IL2RG-related conditions. Experimental studies and prediction algorithms are not available or were not evaluated, and the functional significance of this variant is currently unknown. In summary, the available evidence is currently insufficient to determine the role of this variant in disease. Therefore, it has been classified as a Variant of Uncertain Significance.